The following is an entry in ClinVar:

NM_016553.5(NUP62):c.1132G>A (p.Glu378Lys)

Genes: IL4I1 (interleukin 4 induced 1; minus strand), NUP62 (nucleoporin 62; minus strand). Cytogenetic location: 19q13.33.
Variant type: single nucleotide variant.
Coding change: c.1132G>A on transcript NM_016553.5 (MANE Select); coding-DNA position 1132, G replaced by A.
Protein change: p.Glu378Lys; replaces glutamic acid 378 with lysine.
Molecular consequence: missense variant. On other transcripts: intron variant (3).
Genome position (GRCh38, 1-based): chr19:49,908,676, C>T on the plus strand (G>A on the coding strand, the complement: NUP62 is on the minus strand). VCF-style: chr19-49908676-C-T. GRCh37 (hg19) VCF-style: chr19-50411933-C-T.
Other names: c.1132G>A, p.Glu378Lys (NM_001193357.2, NM_012346.5, NM_153718.4 and 1 more transcripts); c.-227-4355G>A (NM_001258017.2, NM_172374.3); c.-285-4355G>A (NM_001258018.2); short protein forms E378K.
Identifiers: ClinVar variation 2418597 (VCV002418597.42), dbSNP rs754006742, ClinGen allele CA9588944.

ClinVar aggregate classification (germline): Uncertain significance (1 of 4 stars; one submission).

Allele frequency attached by ClinVar (database versions not stated): ExAC 0.00002; TOPMed 0.00006; gnomAD 0.00001.
gnomAD v4.1: 20 of 1,612,078 alleles (0.0012%); highest among the groups gnomAD compares: Admixed American, 0.0033%; no homozygotes.

Submission:

Labcorp Genetics (formerly Invitae), Labcorp
Classification: Uncertain significance. Last evaluated: 2025-12-18. Review status: criteria provided, single submitter. Criteria: Invitae Variant Classification Sherloc (09022015). Collection method: clinical testing. Allele origin: germline.
Comment: This sequence change replaces glutamic acid, which is acidic and polar, with lysine, which is basic and polar, at codon 378 of the NUP62 protein (p.Glu378Lys). This variant is present in population databases (rs754006742, gnomAD 0.007%). This variant has not been reported in the literature in individuals affected with NUP62-related conditions. ClinVar contains an entry for this variant (Variation ID: 2418597). An algorithm developed to predict the effect of missense changes on protein structure and function (PolyPhen-2) suggests that this variant is likely to be tolerated. In summary, the available evidence is currently insufficient to determine the role of this variant in disease. Therefore, it has been classified as a Variant of Uncertain Significance.